The following is an entry in ClinVar:

NM_004560.4(ROR2):c.1736A>T (p.Asp579Val)

Gene: ROR2 (ROR family WNT receptor 2; minus strand). Cytogenetic location: 9q22.31.
Variant type: single nucleotide variant.
Coding change: c.1736A>T on transcript NM_004560.4 (MANE Select); coding-DNA position 1736, A replaced by T.
Protein change: p.Asp579Val; replaces aspartic acid 579 with valine.
Molecular consequence: missense variant.
Genome position (GRCh38, 1-based): chr9:91,724,758, T>A on the plus strand (A>T on the coding strand, the complement: ROR2 is on the minus strand). VCF-style: chr9-91724758-T-A. GRCh37 (hg19) VCF-style: chr9-94487040-T-A.
Other names: short protein forms D579V.
Identifiers: ClinVar variation 281429 (VCV000281429.22), dbSNP rs150610444, ClinGen allele CA5120589.

ClinVar aggregate classification (germline): Conflicting classifications of pathogenicity. Review status: criteria provided, conflicting classifications (1 of 4 stars). 6 submissions from 5 submitters: Uncertain significance (2); Benign (1); Likely benign (2). 1 of the submissions does not count toward it. Last evaluated 2025-12-24.

Conditions:
ROR2-related disorder. Also called: ROR2-related disorders; ROR2-related condition.
Autosomal recessive Robinow syndrome (RRS1). Also called: ROBINOW SYNDROME, AUTOSOMAL RECESSIVE 1; COSTOVERTEBRAL SEGMENTATION DEFECT WITH MESOMELIA; COVESDEM SYNDROME; ROR2-Related Robinow Syndrome. Identifiers: Orphanet 1507, Orphanet 97360, MedGen C5399974, MONDO:0009999, OMIM 268310.
Brachydactyly type B1 (BDB1). Identifiers: Orphanet 572385, Orphanet 93383, MedGen C1862112, MONDO:0007220, OMIM 113000.

Allele frequency attached by ClinVar (database versions not stated): gnomAD exomes 0.00026; ExAC 0.00032; 1000 Genomes Project 0.00080; gnomAD 0.00092; TOPMed 0.00106; ESP Exome Variant Server 0.00115; 1000 Genomes Project 30x 0.00125.
gnomAD v4.1: 245 of 1,613,910 alleles (0.015%); highest among the groups gnomAD compares: African/African-American, 0.29%; no homozygotes.

Submissions (6):

Labcorp Genetics (formerly Invitae), Labcorp
Classification: Likely benign. Last evaluated: 2025-12-24. Review status: criteria provided, single submitter. Criteria: Invitae Variant Classification Sherloc (09022015). Collection method: clinical testing. Allele origin: germline.

GeneDx
Classification: Uncertain significance. Last evaluated: 2021-05-11. Review status: criteria provided, single submitter. Criteria: GeneDx Variant Classification Process June 2021. Collection method: clinical testing. Allele origin: germline. Affected: yes.
Comment: In silico analysis, which includes protein predictors and evolutionary conservation, supports a deleterious effect; Has not been previously published as pathogenic or benign to our knowledge

Illumina Laboratory Services, Illumina
Classification: Benign for Brachydactyly type B1. Last evaluated: 2018-01-12. Review status: criteria provided, single submitter. Criteria: ICSL Variant Classification Criteria 13 December 2019. Collection method: clinical testing. Allele origin: germline.
Comment: This variant was observed in the ICSL laboratory as part of a predisposition screen in an ostensibly healthy population. It had not been previously curated by ICSL or reported in the Human Gene Mutation Database (HGMD: prior to June 1st, 2018), and was therefore a candidate for classification through an automated scoring system. Utilizing variant allele frequency, disease prevalence and penetrance estimates, and inheritance mode, an automated score was calculated to assess if this variant is too frequent to cause the disease. Based on the score and internal cut-off values, a variant classified as benign is not then subjected to further curation. The score for this variant resulted in a classification of benign for this disease.

Illumina Laboratory Services, Illumina
Classification: Likely benign for Autosomal recessive Robinow syndrome. Last evaluated: 2018-01-12. Review status: criteria provided, single submitter. Criteria: ICSL Variant Classification Criteria 13 December 2019. Collection method: clinical testing. Allele origin: germline.
Comment: This variant was observed in the ICSL laboratory as part of a predisposition screen in an ostensibly healthy population. It had not been previously curated by ICSL or reported in the Human Gene Mutation Database (HGMD: prior to June 1st, 2018), and was therefore a candidate for classification through an automated scoring system. Utilizing variant allele frequency, disease prevalence and penetrance estimates, and inheritance mode, an automated score was calculated to assess if this variant is too frequent to cause the disease. Based on the score and internal cut-off values, a variant classified as likely benign is not then subjected to further curation. The score for this variant resulted in a classification of likely benign for this disease.

Eurofins Ntd Llc (ga)
Classification: Uncertain significance. Last evaluated: 2015-06-15. Review status: criteria provided, single submitter. Criteria: EGL Classification Definitions 2015. Collection method: clinical testing. Allele origin: germline. Observed: 1 variant allele, 1 heterozygote.

PreventionGenetics, part of Exact Sciences
Classification: Likely benign for ROR2-related condition. Last evaluated: 2022-05-25. Review status: no assertion criteria provided. Collection method: clinical testing. Allele origin: germline. Not counted in ClinVar's aggregate classification.
Comment: This variant is classified as likely benign based on ACMG/AMP sequence variant interpretation guidelines (Richards et al. 2015 PMID: 25741868, with internal and published modifications).